The following is an entry in ClinVar:

NM_001282531.3(ADNP):c.2029G>A (p.Ala677Thr)

Gene: ADNP (activity dependent neuroprotector homeobox; minus strand). Cytogenetic location: 20q13.13.
Variant type: single nucleotide variant.
Coding change: c.2029G>A on transcript NM_001282531.3 (MANE Select); coding-DNA position 2029, G replaced by A.
Protein change: p.Ala677Thr; replaces alanine 677 with threonine.
Molecular consequence: missense variant.
Genome position (GRCh38, 1-based): chr20:50,892,685, C>T on the plus strand (G>A on the coding strand, the complement: ADNP is on the minus strand). VCF-style: chr20-50892685-C-T. GRCh37 (hg19) VCF-style: chr20-49509222-C-T.
Other names: c.2029G>A, p.Ala677Thr (NM_001282532.2, NM_001347511.2, NM_015339.5 and 1 more transcripts); short protein forms A677T.
Identifiers: ClinVar variation 3679575 (VCV003679575.2).

ClinVar aggregate classification (germline): Uncertain significance (1 of 4 stars; one submission).

gnomAD v4.1: 6 of 1,614,204 alleles (0.00037%); highest among the groups gnomAD compares: South Asian, 0.0022%; no homozygotes.

Submission:

Labcorp Genetics (formerly Invitae), Labcorp
Classification: Uncertain significance. Last evaluated: 2025-06-10. Review status: criteria provided, single submitter. Criteria: Invitae Variant Classification Sherloc (09022015). Collection method: clinical testing. Allele origin: germline.
Comment: This sequence change replaces alanine, which is neutral and non-polar, with threonine, which is neutral and polar, at codon 677 of the ADNP protein (p.Ala677Thr). This variant is present in population databases (rs780464991, gnomAD 0.003%). This variant has not been reported in the literature in individuals affected with ADNP-related conditions. ClinVar contains an entry for this variant (Variation ID: 3679575). An algorithm developed to predict the effect of missense changes on protein structure and function (PolyPhen-2) suggests that this variant is likely to be disruptive. In summary, the available evidence is currently insufficient to determine the role of this variant in disease. Therefore, it has been classified as a Variant of Uncertain Significance.